The following is an entry in ClinVar:

ClinVar aggregate classification (germline): Uncertain significance (1 of 4 stars; one submission).

gnomAD v4.1: 5 of 1,613,908 alleles (0.00031%); highest among the groups gnomAD compares: Non-Finnish European, 0.00042%; no homozygotes.

Submission:

Labcorp Genetics (formerly Invitae), Labcorp
Classification: Uncertain significance. Last evaluated: 2025-05-19. Review status: criteria provided, single submitter. Criteria: Invitae Variant Classification Sherloc (09022015). Collection method: clinical testing. Allele origin: germline.
Comment: This sequence change replaces arginine, which is basic and polar, with leucine, which is neutral and non-polar, at codon 884 of the NUP133 protein (p.Arg884Leu). This variant is present in population databases (rs370204608, gnomAD 0.0009%). This variant has not been reported in the literature in individuals affected with NUP133-related conditions. An algorithm developed to predict the effect of missense changes on protein structure and function (PolyPhen-2) suggests that this variant is likely to be disruptive. In summary, the available evidence is currently insufficient to determine the role of this variant in disease. Therefore, it has been classified as a Variant of Uncertain Significance.

NM_018230.3(NUP133):c.2651G>T (p.Arg884Leu)

Gene: NUP133 (nucleoporin 133; minus strand). Cytogenetic location: 1q42.13.
Variant type: single nucleotide variant.
Coding change: c.2651G>T on transcript NM_018230.3 (MANE Select); coding-DNA position 2651, G replaced by T.
Protein change: p.Arg884Leu; replaces arginine 884 with leucine.
Molecular consequence: missense variant.
Genome position (GRCh38, 1-based): chr1:229,463,577, C>A on the plus strand (G>T on the coding strand, the complement: NUP133 is on the minus strand). VCF-style: chr1-229463577-C-A. GRCh37 (hg19) VCF-style: chr1-229599324-C-A.
Other names: short protein forms R884L.
Identifiers: ClinVar variation 4701231 (VCV004701231.1).